The following is an entry in ClinVar:

ClinVar aggregate classification (germline): Uncertain significance. Review status: criteria provided, multiple submitters, no conflicts (2 of 4 stars). 5 submissions from 5 submitters: Uncertain significance (5). Last evaluated 2025-12-15.

Conditions:
Myopathy, tubular aggregate, 2 (TAM2). Identifiers: MedGen C4014557, MONDO:0014383, OMIM 615883.
Combined immunodeficiency due to ORAI1 deficiency. Also called: IMMUNODEFICIENCY 9. Identifiers: Orphanet 169090, Orphanet 317428, MedGen C2748568, MONDO:0013007, OMIM 612782.

Allele frequency attached by ClinVar (database versions not stated): gnomAD 0.00004; TOPMed 0.00005.

Submissions (5):

Labcorp Genetics (formerly Invitae), Labcorp
Classification: Uncertain significance for Myopathy, tubular aggregate, 2; Combined immunodeficiency due to ORAI1 deficiency. Last evaluated: 2025-12-15. Review status: criteria provided, single submitter. Criteria: Invitae Variant Classification Sherloc (09022015). Collection method: clinical testing. Allele origin: germline.
Comment: This sequence change affects the initiator codon of the ORAI1 mRNA. This change may impact translation initiation or efficiency. The next in-frame methionine is located at codon 64. This variant is present in population databases (rs797044624, gnomAD 0.007%). This variant has not been reported in the literature in individuals affected with ORAI1-related conditions. ClinVar contains an entry for this variant (Variation ID: 193470). Experimental studies and prediction algorithms are not available or were not evaluated, and the functional significance of this variant is currently unknown. In summary, the available evidence is currently insufficient to determine the role of this variant in disease. Therefore, it has been classified as a Variant of Uncertain Significance.

Blueprint Genetics
Classification: Uncertain significance. Last evaluated: 2024-05-02. Review status: criteria provided, single submitter. Criteria: ACMG Guidelines, 2015. Collection method: clinical testing. Allele origin: germline.

Revvity Omics, Revvity
Classification: Uncertain significance. Last evaluated: 2023-05-11. Review status: criteria provided, single submitter. Criteria: ACMG Guidelines, 2015. Collection method: clinical testing. Allele origin: germline.

Fulgent Genetics
Classification: Uncertain significance for Combined immunodeficiency due to ORAI1 deficiency; Myopathy, tubular aggregate, 2. Last evaluated: 2022-05-10. Review status: criteria provided, single submitter. Criteria: ACMG Guidelines, 2015. Collection method: clinical testing. Allele origin: unknown.

Eurofins Ntd Llc (ga)
Classification: Uncertain significance. Last evaluated: 2015-04-03. Review status: criteria provided, single submitter. Criteria: EGL Classification Definitions 2015. Collection method: clinical testing. Allele origin: germline. Observed: 1 variant allele, 1 heterozygote.

NM_032790.4(ORAI1):c.1A>T (p.Met1Leu)

Genes: ORAI1 (ORAI calcium release-activated calcium modulator 1; plus strand), LOC130008987 (ATAC-STARR-seq lymphoblastoid silent region 4981; plus strand). Cytogenetic location: 12q24.31.
Variant type: single nucleotide variant.
Coding change: c.1A>T on transcript NM_032790.4 (MANE Select); coding-DNA position 1, A replaced by T.
Protein change: p.Met1Leu; changes the start codon (methionine 1).
Genome position (GRCh38, 1-based): chr12:121,626,743, A>T. VCF-style: chr12-121626743-A-T. GRCh37 (hg19) VCF-style: chr12-122064648-A-T.
Other names: short protein forms M1L.
Identifiers: ClinVar variation 193470 (VCV000193470.19), dbSNP rs797044624, ClinGen allele CA238990.
Genomic context (GRCh38, chr12:121,626,743, plus strand): 5'-TGCCTCCGGCGGAGGTGCCTCGCGGCGCCCGGGCCGGCCCGCGCCTCGGCGGCGTGCTCC[A>T]TGCATCCGGAGCCCGCCCCGCCCCCGAGCCGCAGCAGTCCCGAGCTTCCCCCAAGCGGCG-3'
Protein context (NP_116179.2, residues 1-11): [Met1Leu]HPEPAPPPSR